The following is an entry in ClinVar:

ClinVar aggregate classification (germline): Uncertain significance (1 of 4 stars; one submission).

Conditions:
Hereditary cancer-predisposing syndrome. Also called: Tumor predisposition; Neoplastic Syndromes, Hereditary; Hereditary neoplastic syndrome; Hereditary Cancer Syndrome. Identifiers: Orphanet 140162, MedGen C0027672, MeSH D009386, MONDO:0015356.

Submission:

Ambry Genetics
Classification: Uncertain significance for Hereditary cancer-predisposing syndrome. Last evaluated: 2024-08-22. Review status: criteria provided, single submitter. Criteria: Ambry Variant Classification Scheme 2023. Collection method: clinical testing. Allele origin: germline.
Comment: The c.362+5T>C intronic variant results from a T to C substitution 5 nucleotides after coding exon 3 in the SMARCB1 gene. This nucleotide position is poorly conserved in available vertebrate species. In silico splice site analysis predicts that this alteration will not have any significant effect on splicing. Based on the available evidence, the clinical significance of this variant remains unclear.

NM_003073.5(SMARCB1):c.362+5T>C

Gene: SMARCB1 (SWI/SNF related BAF chromatin remodeling complex subunit B1; plus strand). Cytogenetic location: 22q11.23.
Variant type: single nucleotide variant.
Coding change: c.362+5T>C on transcript NM_003073.5 (MANE Select); 5 bases into the intron after coding-DNA position 362, T replaced by C.
Molecular consequence: intron variant.
Genome position (GRCh38, 1-based): chr22:23,793,693, T>C. VCF-style: chr22-23793693-T-C. GRCh37 (hg19) VCF-style: chr22-24135880-T-C.
Other names: c.362+5T>C (NM_001362877.2); c.335+5T>C (NM_001317946.2, NM_001007468.3).
Identifiers: ClinVar variation 3446077 (VCV003446077.1).